The following is an entry in ClinVar:

ClinVar aggregate classification (germline): Uncertain significance. Review status: criteria provided, multiple submitters, no conflicts (2 of 4 stars). 3 submissions from 3 submitters: Uncertain significance (3). Last evaluated 2024-03-22.

Conditions:
Autosomal recessive polycystic kidney disease (ARPKD). Also called: AR polycystic kidney disease. Identifiers: Orphanet 731, Orphanet 8378, MedGen C0085548, MeSH D017044, MONDO:0009889.
Polycystic kidney disease 4 (PKD4). Also called: POLYCYSTIC KIDNEY AND HEPATIC DISEASE 1; POLYCYSTIC KIDNEY DISEASE, INFANTILE, TYPE I; PKD3; POLYCYSTIC KIDNEY DISEASE 4 WITH OR WITHOUT POLYCYSTIC LIVER DISEASE; Autosomal Recessive Polycystic Kidney Disease – PKHD1. Identifiers: MedGen C4540575, MONDO:0033004, OMIM 263200.

Allele frequency attached by ClinVar (database versions not stated): ExAC 0.00004; gnomAD 0.00004; TOPMed 0.00004; gnomAD exomes 0.00005; ESP Exome Variant Server 0.00015.
gnomAD v4.1: 66 of 1,613,952 alleles (0.0041%); highest among the groups gnomAD compares: Middle Eastern, 0.016%; no homozygotes.

Submissions (3):

Labcorp Genetics (formerly Invitae), Labcorp
Classification: Uncertain significance for Autosomal recessive polycystic kidney disease. Last evaluated: 2024-03-22. Review status: criteria provided, single submitter. Criteria: Invitae Variant Classification Sherloc (09022015). Collection method: clinical testing. Allele origin: germline.
Comment: This sequence change replaces valine, which is neutral and non-polar, with isoleucine, which is neutral and non-polar, at codon 1145 of the PKHD1 protein (p.Val1145Ile). This variant is present in population databases (rs147035447, gnomAD 0.01%). This variant has not been reported in the literature in individuals affected with PKHD1-related conditions. ClinVar contains an entry for this variant (Variation ID: 1343742). Advanced modeling of protein sequence and biophysical properties (such as structural, functional, and spatial information, amino acid conservation, physicochemical variation, residue mobility, and thermodynamic stability) performed at Invitae indicates that this missense variant is not expected to disrupt PKHD1 protein function with a negative predictive value of 95%. In summary, the available evidence is currently insufficient to determine the role of this variant in disease. Therefore, it has been classified as a Variant of Uncertain Significance.

Fulgent Genetics
Classification: Uncertain significance for Polycystic kidney disease 4. Last evaluated: 2022-04-14. Review status: criteria provided, single submitter. Criteria: ACMG Guidelines, 2015. Collection method: clinical testing. Allele origin: unknown.

Women's Health and Genetics/Laboratory Corporation of America, LabCorp
Classification: Uncertain significance. Last evaluated: 2022-02-18. Review status: criteria provided, single submitter. Criteria: LabCorp Variant Classification Summary - May 2015. Collection method: clinical testing. Allele origin: germline.

NM_138694.4(PKHD1):c.3433G>A (p.Val1145Ile)

Gene: PKHD1 (PKHD1 ciliary IPT domain containing fibrocystin/polyductin; minus strand). Cytogenetic location: 6p12.2.
Variant type: single nucleotide variant.
Coding change: c.3433G>A on transcript NM_138694.4 (MANE Select); coding-DNA position 3433, G replaced by A.
Protein change: p.Val1145Ile; replaces valine 1145 with isoleucine.
Molecular consequence: missense variant.
Genome position (GRCh38, 1-based): chr6:52,028,283, C>T on the plus strand (G>A on the coding strand, the complement: PKHD1 is on the minus strand). VCF-style: chr6-52028283-C-T. GRCh37 (hg19) VCF-style: chr6-51893081-C-T.
Other names: c.3433G>A, p.Val1145Ile (NM_170724.3); short protein forms V1145I.
Identifiers: ClinVar variation 1343742 (VCV001343742.3), dbSNP rs147035447, ClinGen allele CA3852938.
Genomic context (GRCh38, chr6:52,028,283, plus strand): 5'-GCAGTGCCACCTCCAGGCCCCAAGCCGACTGTGTGTGAACCGGAGCCAAGGCATCCTGGA[C>T]GTGGACTTCCACATCCAAATCCGTATAGTTCATCAGCCTCGCCACTCCAATGACCAGGGT-3'
Protein context (NP_619639.3, residues 1135-1155): NYTDLDVEVH[Val1145Ile]QDALAPVHTQ